The following is an entry in ClinVar:

NM_181882.3(PRX):c.1080T>C (p.Leu360=)

Gene: PRX (periaxin; minus strand). Cytogenetic location: 19q13.2.
Variant type: single nucleotide variant.
Coding change: c.1080T>C on transcript NM_181882.3 (MANE Select); coding-DNA position 1080, T replaced by C.
Protein change: p.Leu360=; no amino-acid change (leucine 360 retained).
Molecular consequence: synonymous variant. On other transcripts: 3 prime UTR variant (1).
Genome position (GRCh38, 1-based): chr19:40,397,272, A>G on the plus strand (T>C on the coding strand, the complement: PRX is on the minus strand). VCF-style: chr19-40397272-A-G. GRCh37 (hg19) VCF-style: chr19-40903179-A-G.
Other names: c.*1285T>C (NM_020956.2).
Identifiers: ClinVar variation 510001 (VCV000510001.10), dbSNP rs199882125, ClinGen allele CA9444330.
Genomic context (GRCh38, chr19:40,397,272, plus strand): 5'-GACCTTGGCTACCTTGGCCTCAGCAACTTCCTTTGCTCGAGCCCCAAATCGGGGAAAACT[A>G]AGGCGGGGCATCTTCAGGGCCACCTCAGGTGCCTCTCCCCGGGCCTCCACCTCTGCACCC-3'
Protein context (NP_870998.2, residues 350-370): APEVALKMPR[Leu360=]SFPRFGARAK

ClinVar aggregate classification (germline): Likely benign. Review status: criteria provided, multiple submitters, no conflicts (2 of 4 stars). 3 submissions from 3 submitters: Likely benign (3). Last evaluated 2023-11-17.

Conditions:
Inborn genetic diseases. Identifiers: MedGen C0950123, MeSH D030342.
Charcot-Marie-Tooth disease type 4. Also called: Charcot-Marie-Tooth, Type 4; Charcot-Marie-Tooth disease, type IV. Identifiers: Orphanet 64749, MedGen C4082197, MONDO:0018995.

Allele frequency attached by ClinVar (database versions not stated): TOPMed 0.00001; ExAC 0.00002; gnomAD exomes 0.00002.
gnomAD v4.1: 21 of 1,613,558 alleles (0.0013%); highest among the groups gnomAD compares: Non-Finnish European, 0.0011%; no homozygotes.

Submissions (3):

Labcorp Genetics (formerly Invitae), Labcorp
Classification: Likely benign for Charcot-Marie-Tooth disease type 4. Last evaluated: 2023-11-17. Review status: criteria provided, single submitter. Criteria: Invitae Variant Classification Sherloc (09022015). Collection method: clinical testing. Allele origin: germline.

Ambry Genetics
Classification: Likely benign for Inborn genetic diseases. Last evaluated: 2019-07-11. Review status: criteria provided, single submitter. Criteria: Ambry Variant Classification Scheme 2023. Collection method: clinical testing. Allele origin: germline.

GeneDx
Classification: Likely benign. Last evaluated: 2017-06-06. Review status: criteria provided, single submitter. Criteria: GeneDx Variant Classification (06012015). Collection method: clinical testing. Allele origin: germline. Affected: yes.
Comment: This variant is considered likely benign or benign based on one or more of the following criteria: it is a conservative change, it occurs at a poorly conserved position in the protein, it is predicted to be benign by multiple in silico algorithms, and/or has population frequency not consistent with disease.